The following is an entry in ClinVar:

NM_005477.3(HCN4):c.3460C>T (p.Arg1154Trp)

Gene: HCN4 (hyperpolarization activated cyclic nucleotide gated potassium channel 4; minus strand). Cytogenetic location: 15q24.1.
Variant type: single nucleotide variant.
Coding change: c.3460C>T on transcript NM_005477.3 (MANE Select); coding-DNA position 3460, C replaced by T.
Protein change: p.Arg1154Trp; replaces arginine 1154 with tryptophan.
Molecular consequence: missense variant.
Genome position (GRCh38, 1-based): chr15:73,322,633, G>A on the plus strand (C>T on the coding strand, the complement: HCN4 is on the minus strand). VCF-style: chr15-73322633-G-A. GRCh37 (hg19) VCF-style: chr15-73614974-G-A.
Other names: short protein forms R1154W.
Identifiers: ClinVar variation 1201442 (VCV001201442.16), dbSNP rs200896834, ClinGen allele CA7648820.

ClinVar aggregate classification (germline): Uncertain significance. Review status: criteria provided, multiple submitters, no conflicts (2 of 4 stars). 5 submissions from 5 submitters: Uncertain significance (5). Last evaluated 2026-01-12.

Conditions:
Epilepsy, idiopathic generalized, susceptibility to, 18. Identifiers: MedGen C5561983, MONDO:0030434, OMIM 619521.
Sick sinus syndrome 2, autosomal dominant (SSS2). Also called: SINUS BRADYCARDIA SYNDROME, FAMILIAL, AUTOSOMAL DOMINANT; SINUS NODE DISEASE, FAMILIAL, AUTOSOMAL DOMINANT; ATRIAL FIBRILLATION WITH BRADYARRHYTHMIA; SICK SINUS SYNDROME 2; SICK SINUS SYNDROME 2 WITH OR WITHOUT CARDIAC NONCOMPACTION AND/OR ASCENDING AORTA DILATION. Identifiers: Orphanet 166282, MedGen C1834144, MONDO:0008102, OMIM 163800.
Brugada syndrome 8 (BRGDA8). Identifiers: Orphanet 130, MedGen C2751083, MONDO:0013148, OMIM 613123.
Cardiovascular phenotype. Identifiers: MedGen CN230736.

Allele frequency attached by ClinVar (database versions not stated): gnomAD exomes 0.00002; TOPMed 0.00003; ExAC 0.00005; gnomAD 0.00005; ESP Exome Variant Server 0.00008; 1000 Genomes Project 30x 0.00016; 1000 Genomes Project 0.00020.
gnomAD v4.1: 42 of 1,611,212 alleles (0.0026%); highest among the groups gnomAD compares: Middle Eastern, 0.017%; no homozygotes.

Submissions (5):

Labcorp Genetics (formerly Invitae), Labcorp
Classification: Uncertain significance for Brugada syndrome 8. Last evaluated: 2026-01-12. Review status: criteria provided, single submitter. Criteria: Invitae Variant Classification Sherloc (09022015). Collection method: clinical testing. Allele origin: germline.
Comment: This sequence change replaces arginine, which is basic and polar, with tryptophan, which is neutral and slightly polar, at codon 1154 of the HCN4 protein (p.Arg1154Trp). This variant is present in population databases (rs200896834, gnomAD 0.009%). This variant has not been reported in the literature in individuals affected with HCN4-related conditions. ClinVar contains an entry for this variant (Variation ID: 1201442). Invitae Evidence Modeling of protein sequence and biophysical properties (such as structural, functional, and spatial information, amino acid conservation, physicochemical variation, residue mobility, and thermodynamic stability) has been performed for this missense variant. However, the output from this modeling did not meet the statistical confidence thresholds required to predict the impact of this variant on HCN4 protein function. In summary, the available evidence is currently insufficient to determine the role of this variant in disease. Therefore, it has been classified as a Variant of Uncertain Significance.

Molecular Diagnostic Laboratory for Inherited Cardiovascular Disease, Montreal Heart Institute
Classification: Uncertain significance for Cardiovascular phenotype. Last evaluated: 2025-04-09. Review status: criteria provided, single submitter. Criteria: ACMG Guidelines, 2015. Collection method: clinical testing. Allele origin: germline. Affected: yes.

GeneDx
Classification: Uncertain significance. Last evaluated: 2024-07-16. Review status: criteria provided, single submitter. Criteria: GeneDx Variant Classification Process June 2021. Collection method: clinical testing. Allele origin: germline. Affected: yes.
Comment: Has not been previously published as pathogenic or benign to our knowledge; In silico analysis supports that this missense variant has a deleterious effect on protein structure/function

Ambry Genetics
Classification: Uncertain significance for Cardiovascular phenotype. Last evaluated: 2023-10-27. Review status: criteria provided, single submitter. Criteria: Ambry Variant Classification Scheme 2023. Collection method: clinical testing. Allele origin: germline.
Comment: The p.R1154W variant (also known as c.3460C>T), located in coding exon 8 of the HCN4 gene, results from a C to T substitution at nucleotide position 3460. The arginine at codon 1154 is replaced by tryptophan, an amino acid with dissimilar properties. This amino acid position is conserved. In addition, the in silico prediction for this alteration is inconclusive. Since supporting evidence is limited at this time, the clinical significance of this alteration remains unclear.

Fulgent Genetics
Classification: Uncertain significance for Sick sinus syndrome 2, autosomal dominant; Brugada syndrome 8; Epilepsy, idiopathic generalized, susceptibility to, 18. Last evaluated: 2021-09-14. Review status: criteria provided, single submitter. Criteria: ACMG Guidelines, 2015. Collection method: clinical testing. Allele origin: unknown.